The following is an entry in ClinVar:

ClinVar aggregate classification (germline): Uncertain significance. Review status: criteria provided, multiple submitters, no conflicts (2 of 4 stars). 2 submissions from 2 submitters: Uncertain significance (2). Last evaluated 2026-04-28.

Conditions:
Focal segmental glomerulosclerosis 8 (FSGS8). Identifiers: Orphanet 656, MedGen C4014993, MONDO:0014462, OMIM 616032.

Allele frequency attached by ClinVar (database versions not stated): gnomAD exomes 0.00001 and 0.00003; ExAC 0.00007; gnomAD 0.00009 and 0.00010; TOPMed 0.00009.
gnomAD v4.1: 32 of 1,613,784 alleles (0.002%); highest among the groups gnomAD compares: African/African-American, 0.023%; no homozygotes.

Submissions (2):

Clinical Genomics Laboratory, Washington University in St. Louis
Classification: Uncertain significance for Focal segmental glomerulosclerosis 8. Last evaluated: 2026-04-28. Review status: criteria provided, single submitter. Criteria: ACMG Guidelines, 2015. Collection method: clinical testing. Allele origin: germline.
Comment: An ANLN c.1999C>T (p.Arg667Cys) variant was identified in a heterozygous state. This variant, to our knowledge, has not been reported in the medical literature. It has been reported in the ClinVar database as a germline variant of uncertain significance by one submitter (Variation ID: 1014806). It is observed in 12/282,468 alleles in the general population (gnomAD v2.1.1). Computational predictors suggest that the variant does not impact ANLN function. Due to limited information, and based on ACMG/AMP guidelines for variant interpretation (Richards S et al., PMID: 25741868), the clinical significance of this variant is uncertain at this time.

Labcorp Genetics (formerly Invitae), Labcorp
Classification: Uncertain significance. Last evaluated: 2020-03-19. Review status: criteria provided, single submitter. Criteria: Invitae Variant Classification Sherloc (09022015). Collection method: clinical testing. Allele origin: germline.
Comment: This sequence change replaces arginine with cysteine at codon 667 of the ANLN protein (p.Arg667Cys). The arginine residue is moderately conserved and there is a large physicochemical difference between arginine and cysteine. This variant is present in population databases (rs761217773, ExAC 0.05%). This variant has not been reported in the literature in individuals with ANLN-related conditions. Algorithms developed to predict the effect of missense changes on protein structure and function (SIFT, PolyPhen-2, Align-GVGD) all suggest that this variant is likely to be disruptive, but these predictions have not been confirmed by published functional studies and their clinical significance is uncertain. In summary, the available evidence is currently insufficient to determine the role of this variant in disease. Therefore, it has been classified as a Variant of Uncertain Significance.

NM_018685.5(ANLN):c.1999C>T (p.Arg667Cys)

Gene: ANLN (anillin, actin binding protein; plus strand). Cytogenetic location: 7p14.2.
Variant type: single nucleotide variant.
Coding change: c.1999C>T on transcript NM_018685.5 (MANE Select); coding-DNA position 1999, C replaced by T.
Protein change: p.Arg667Cys; replaces arginine 667 with cysteine.
Molecular consequence: missense variant.
Genome position (GRCh38, 1-based): chr7:36,420,298, C>T. VCF-style: chr7-36420298-C-T. GRCh37 (hg19) VCF-style: chr7-36459907-C-T.
Other names: c.1888C>T, p.Arg630Cys (NM_001284301.3); c.1885C>T, p.Arg629Cys (NM_001284302.3); short protein forms R629C, R630C, R667C.
Identifiers: ClinVar variation 1014806 (VCV001014806.9), dbSNP rs761217773, ClinGen allele CA4219742.